The following is an entry in ClinVar:

ClinVar aggregate classification (germline): Uncertain significance (1 of 4 stars; one submission).

Submission:

Genetic Services Laboratory, University of Chicago
Classification: Uncertain significance. Last evaluated: 2024-10-18. Review status: criteria provided, single submitter. Criteria: ACMG Guidelines, 2015. Collection method: clinical testing. Allele origin: germline. Affected: no.
Comment: DNA sequence analysis of the PKD1 gene demonstrated a sequence change, c.4184G>T, in exon 15 that results in an amino acid change, p.Gly1395Val. This sequence change has been previously reported in the PKD Foundation Polycystic Kidney Disease Variant Database; however, no information about inheritance or functional studies is currently available. This sequence change has not been described in population databases such as ExAC and gnomAD. The p.Gly1395Val change affects a highly conserved amino acid residue located in a domain of the PKD1 protein that is known to be functional. The p.Gly1395Val substitution appears to be deleterious/possibly damaging using several in-silico pathogenicity prediction tools (SIFT, PolyPhen2, Align GVGD, REVEL). Due to insufficient evidences and the lack of functional studies, the clinical significance of the p.Gly1395Val change remains unknown at this time.

NM_001009944.3(PKD1):c.4184G>T (p.Gly1395Val)

Gene: PKD1 (polycystin 1, transient receptor potential channel interacting; minus strand). Cytogenetic location: 16p13.3.
Variant type: single nucleotide variant.
Coding change: c.4184G>T on transcript NM_001009944.3 (MANE Select); coding-DNA position 4184, G replaced by T.
Protein change: p.Gly1395Val; replaces glycine 1395 with valine.
Molecular consequence: missense variant.
Genome position (GRCh38, 1-based): chr16:2,110,983, C>A on the plus strand (G>T on the coding strand, the complement: PKD1 is on the minus strand). VCF-style: chr16-2110983-C-A. GRCh37 (hg19) VCF-style: chr16-2160984-C-A.
Other names: c.4184G>T, p.Gly1395Val (NM_000296.4); short protein forms G1395V.
Identifiers: ClinVar variation 4082488 (VCV004082488.2).